The following is an entry in ClinVar:

ClinVar aggregate classification (germline): Pathogenic (1 of 4 stars; one submission).

Submission:

Athena Diagnostics
Classification: Pathogenic. Last evaluated: 2023-01-04. Review status: criteria provided, single submitter. Criteria: Athena Diagnostics Criteria. Collection method: clinical testing. Allele origin: unknown.
Comment: This variant has not been reported in large, multi-ethnic general populations. This variant has been identified in at least one individual with clinical features of CADASIL. This variant alters a critical location within the protein, and is expected to severely affect function and cause disease. Greater than 90% of NOTCH3 pathogenic variants associated with CADASIL involve the gain or loss of a cysteine residue within the epidermal growth factor (EGF)-like repeat domain (PMID: 32457593, 20301673).

NM_000435.3(NOTCH3):c.1370G>A (p.Cys457Tyr)

Gene: NOTCH3 (notch receptor 3; minus strand). Cytogenetic location: 19p13.12.
Variant type: single nucleotide variant.
Coding change: c.1370G>A on transcript NM_000435.3 (MANE Select); coding-DNA position 1370, G replaced by A.
Protein change: p.Cys457Tyr; replaces cysteine 457 with tyrosine.
Molecular consequence: missense variant.
Genome position (GRCh38, 1-based): chr19:15,188,997, C>T on the plus strand (G>A on the coding strand, the complement: NOTCH3 is on the minus strand). VCF-style: chr19-15188997-C-T. GRCh37 (hg19) VCF-style: chr19-15299808-C-T.
Other names: short protein forms C457Y.
Identifiers: ClinVar variation 2684128 (VCV002684128.1), dbSNP rs2512661013, ClinGen allele CA404527547.